The following is an entry in ClinVar:

NM_080669.6(SLC46A1):c.1222G>A (p.Gly408Ser)

Genes: SARM1 (sterile alpha and TIR motif containing 1; plus strand), SLC46A1 (solute carrier family 46 member 1; minus strand). Cytogenetic location: 17q11.2.
Variant type: single nucleotide variant.
Coding change: c.1222G>A on transcript NM_080669.6 (MANE Select); coding-DNA position 1222, G replaced by A.
Protein change: p.Gly408Ser; replaces glycine 408 with serine.
Molecular consequence: missense variant. On other transcripts: 3 prime UTR variant (1).
Genome position (GRCh38, 1-based): chr17:28,400,710, C>T on the plus strand (G>A on the coding strand, the complement: SLC46A1 is on the minus strand). VCF-style: chr17-28400710-C-T. GRCh37 (hg19) VCF-style: chr17-26727727-C-T.
Other names: c.1138G>A, p.Gly380Ser (NM_001242366.3); c.*4424C>T (NM_015077.4); short protein forms G408S, G380S.
Identifiers: ClinVar variation 1983876 (VCV001983876.1), dbSNP rs1326269937, ClinGen allele CA398342797.

ClinVar aggregate classification (germline): Uncertain significance (1 of 4 stars; one submission).

Allele frequency attached by ClinVar (database versions not stated): gnomAD 0.00001; gnomAD exomes 0.00001; TOPMed 0.00001.
gnomAD v4.1: 22 of 1,606,840 alleles (0.0014%); highest among the groups gnomAD compares: Non-Finnish European, 0.0018%; no homozygotes.

Submission:

Labcorp Genetics (formerly Invitae), Labcorp
Classification: Uncertain significance. Last evaluated: 2022-03-01. Review status: criteria provided, single submitter. Criteria: Invitae Variant Classification Sherloc (09022015). Collection method: clinical testing. Allele origin: germline.
Comment: This sequence change replaces glycine, which is neutral and non-polar, with serine, which is neutral and polar, at codon 408 of the SLC46A1 protein (p.Gly408Ser). This variant is present in population databases (no rsID available, gnomAD 0.002%). This variant has not been reported in the literature in individuals affected with SLC46A1-related conditions. Experimental studies and prediction algorithms are not available or were not evaluated, and the functional significance of this variant is currently unknown. In summary, the available evidence is currently insufficient to determine the role of this variant in disease. Therefore, it has been classified as a Variant of Uncertain Significance.